The following is an entry in ClinVar:

ClinVar aggregate classification (germline): Uncertain significance (1 of 4 stars; one submission).

Conditions:
Dilated cardiomyopathy 1J (CMD1J). Also called: CARDIOMYOPATHY, DILATED, WITH SENSORINEURAL HEARING LOSS, AUTOSOMAL DOMINANT. Identifiers: Orphanet 217622, MedGen C1854368, MONDO:0011541, OMIM 605362.

Allele frequency attached by ClinVar (database versions not stated): TOPMed below 0.00001; ExAC 0.00001; gnomAD 0.00001; gnomAD exomes 0.00001; ESP Exome Variant Server 0.00008.
gnomAD v4.1: 11 of 1,612,904 alleles (0.00068%); highest among the groups gnomAD compares: Admixed American, 0.0017%; no homozygotes.

Submission:

Labcorp Genetics (formerly Invitae), Labcorp
Classification: Uncertain significance for Dilated cardiomyopathy 1J. Last evaluated: 2022-02-06. Review status: criteria provided, single submitter. Criteria: Invitae Variant Classification Sherloc (09022015). Collection method: clinical testing. Allele origin: germline.
Comment: In summary, the available evidence is currently insufficient to determine the role of this variant in disease. Therefore, it has been classified as a Variant of Uncertain Significance. Algorithms developed to predict the effect of missense changes on protein structure and function are either unavailable or do not agree on the potential impact of this missense change (SIFT: "Tolerated"; PolyPhen-2: "Probably Damaging"; Align-GVGD: "Class C0"). This variant has not been reported in the literature in individuals affected with EYA4-related conditions. This variant is present in population databases (rs148246473, gnomAD 0.004%). This sequence change replaces proline, which is neutral and non-polar, with threonine, which is neutral and polar, at codon 88 of the EYA4 protein (p.Pro88Thr).

NM_004100.5(EYA4):c.262C>A (p.Pro88Thr)

Gene: EYA4 (EYA transcriptional coactivator and phosphatase 4; plus strand). Cytogenetic location: 6q23.2.
Variant type: single nucleotide variant.
Coding change: c.262C>A on transcript NM_004100.5 (MANE Select); coding-DNA position 262, C replaced by A.
Protein change: p.Pro88Thr; replaces proline 88 with threonine.
Molecular consequence: missense variant. On other transcripts: intron variant (4).
Genome position (GRCh38, 1-based): chr6:133,448,164, C>A. VCF-style: chr6-133448164-C-A. GRCh37 (hg19) VCF-style: chr6-133769302-C-A.
Other names: c.262C>A, p.Pro88Thr (NM_001301013.2, NM_172105.4); c.208+1410C>A (NM_001370458.1, NM_172103.4, NM_001370459.1 and 1 more transcripts); short protein forms P88T.
Identifiers: ClinVar variation 2419565 (VCV002419565.5), dbSNP rs148246473, ClinGen allele CA4007990.